The following is an entry in ClinVar:

ClinVar aggregate classification (germline): Uncertain significance (1 of 4 stars; one submission).

Conditions:
ZNF292-related disorder. Also called: ZNF292-related condition.

Submission:

PreventionGenetics, part of Exact Sciences
Classification: Uncertain significance for ZNF292-related condition. Last evaluated: 2022-11-22. Review status: criteria provided, single submitter. Criteria: ACMG Guidelines, 2015. Collection method: clinical testing. Allele origin: germline.
Comment: The ZNF292 c.4826T>A variant is predicted to result in the amino acid substitution p.Ile1609Lys. To our knowledge, this variant has not been reported in the literature or in a large population database, indicating this variant is rare. At this time, the clinical significance of this variant is uncertain due to the absence of conclusive functional and genetic evidence.

NM_015021.3(ZNF292):c.4826T>A (p.Ile1609Lys)

Gene: ZNF292 (zinc finger protein 292; plus strand). Cytogenetic location: 6q14.3.
Variant type: single nucleotide variant.
Coding change: c.4826T>A on transcript NM_015021.3 (MANE Select); coding-DNA position 4826, T replaced by A.
Protein change: p.Ile1609Lys; replaces isoleucine 1609 with lysine.
Molecular consequence: missense variant.
Genome position (GRCh38, 1-based): chr6:87,258,455, T>A. VCF-style: chr6-87258455-T-A. GRCh37 (hg19) VCF-style: chr6-87968173-T-A.
Other names: c.4406T>A, p.Ile1469Lys (NM_001351444.2); short protein forms I1469K, I1609K.
Identifiers: ClinVar variation 2635149 (VCV002635149.1), dbSNP rs775029015, ClinGen allele CA364928390.